The following is an entry in ClinVar:

NM_017671.5(FERMT1):c.-18-11T>G

Gene: FERMT1 (FERM domain containing kindlin 1; minus strand). Cytogenetic location: 20p12.3.
Variant type: single nucleotide variant.
Coding change: c.-18-11T>G on transcript NM_017671.5 (MANE Select); 11 bases into the intron before 18 bases upstream of the start codon, T replaced by G.
Molecular consequence: intron variant.
Genome position (GRCh38, 1-based): chr20:6,119,583, A>C on the plus strand (T>G on the coding strand, the complement: FERMT1 is on the minus strand). VCF-style: chr20-6119583-A-C. GRCh37 (hg19) VCF-style: chr20-6100230-A-C.
Other names: NC_000020.10:g.6100230A>C.
Identifiers: ClinVar variation 260863 (VCV000260863.12), dbSNP rs2273423, ClinGen allele CA9758574.

ClinVar aggregate classification (germline): Benign. Review status: criteria provided, multiple submitters, no conflicts (2 of 4 stars). 6 submissions from 6 submitters: Benign (6). Last evaluated 2024-01-24.

Conditions:
Kindler syndrome (KNDLRS). Also called: Hereditary acrokeratotic poikiloderma of Weary; Poikiloderma of Kindler; Congenital bullous poikiloderma; Kindler's syndrome; POIKILODERMA, CONGENITAL, WITH BULLAE, WEARY TYPE; POIKILODERMA, HEREDITARY ACROKERATOTIC. Identifiers: Orphanet 2908, Orphanet 306539, MedGen C0406557, MONDO:0008260, OMIM 173650.

Allele frequency attached by ClinVar (database versions not stated): ESP Exome Variant Server 0.59918; gnomAD 0.60441 and 0.61285; TOPMed 0.62660; gnomAD exomes 0.62823; ExAC 0.63558; 1000 Genomes Project 30x 0.70597; 1000 Genomes Project 0.70847.
gnomAD v4.1: 957,780 of 1,604,058 alleles (60%); highest among the groups gnomAD compares: East Asian, 86%; 290,809 homozygotes.

Submissions (8):

Unidad de Genómica Garrahan, Hospital de Pediatría Garrahan
Classification: Benign. Last evaluated: 2024-01-24. Review status: criteria provided, single submitter. Criteria: ACMG Guidelines, 2015. Collection method: clinical testing. Allele origin: germline. Affected: no. Observed: 79 variant alleles.
Comment: This variant is classified as Benign based on local population frequency. This variant was detected in 90% of patients studied by a panel of primary immunodeficiencies. Number of patients: 79. Only high quality variants are reported.

Genome-Nilou Lab
Classification: Benign for Kindler syndrome. Last evaluated: 2021-08-10. Review status: criteria provided, single submitter. Criteria: ACMG Guidelines, 2015. Collection method: clinical testing. Allele origin: germline. Affected: no.

GeneDx
Classification: Benign. Last evaluated: 2018-11-11. Review status: criteria provided, single submitter. Criteria: GeneDx Variant Classification Process June 2021. Collection method: clinical testing. Allele origin: germline. Affected: yes.

Illumina Laboratory Services, Illumina
Classification: Benign for Kindler syndrome. Last evaluated: 2018-01-12. Review status: criteria provided, single submitter. Criteria: ICSL Variant Classification Criteria 13 December 2019. Collection method: clinical testing. Allele origin: germline.
Comment: This variant was observed in the ICSL laboratory as part of a predisposition screen in an ostensibly healthy population. It had not been previously curated by ICSL or reported in the Human Gene Mutation Database (HGMD: prior to June 1st, 2018), and was therefore a candidate for classification through an automated scoring system. Utilizing variant allele frequency, disease prevalence and penetrance estimates, and inheritance mode, an automated score was calculated to assess if this variant is too frequent to cause the disease. Based on the score and internal cut-off values, a variant classified as benign is not then subjected to further curation. The score for this variant resulted in a classification of benign for this disease.

Breakthrough Genomics
Classification: Benign. Review status: criteria provided, single submitter. Criteria: ACMG Guidelines, 2015. Collection method: not provided. Allele origin: germline. Inheritance: Autosomal recessive inheritance. Affected: yes.

PreventionGenetics, part of Exact Sciences
Classification: Benign. Review status: criteria provided, single submitter. Criteria: ACMG Guidelines, 2015. Collection method: clinical testing. Allele origin: germline.

Dr. Peter K. Rogan Lab, Western University
No classification provided (evidence only). Condition: Hepatocellular carcinoma. Review status: no classification provided. Collection method: in vitro. Allele origin: not applicable. Functional consequence: retained intron. Not counted in ClinVar's aggregate classification.

Dr. Peter K. Rogan Lab, Western University
No classification provided (evidence only). Condition: Hepatocellular carcinoma. Review status: no classification provided. Collection method: in vitro. Allele origin: not applicable. Functional consequence: retained intron. Not counted in ClinVar's aggregate classification.